The following is an entry in ClinVar:

ClinVar aggregate classification (germline): Uncertain significance. Review status: criteria provided, single submitter (1 of 4 stars). 2 submissions from 2 submitters: Uncertain significance (1). 1 of the submissions does not count toward it. Last evaluated 2025-11-03.

Conditions:
METHEMOGLOBINEMIA, TYPE I. Identifiers: MedGen C2749559, OMIM 250800.

Allele frequency attached by ClinVar (database versions not stated): gnomAD exomes below 0.00001.
gnomAD v4.1: 1 of 1,613,836 alleles (0.000062%); highest among the groups gnomAD compares: South Asian, 0.0011%; no homozygotes.

Submissions (2):

Labcorp Genetics (formerly Invitae), Labcorp
Classification: Uncertain significance. Last evaluated: 2025-11-03. Review status: criteria provided, single submitter. Criteria: Invitae Variant Classification Sherloc (09022015). Collection method: clinical testing. Allele origin: germline.
Comment: This sequence change replaces glycine, which is neutral and non-polar, with cysteine, which is neutral and slightly polar, at codon 104 of the CYB5R3 protein (p.Gly104Cys). This variant is present in population databases (no rsID available, gnomAD 0.003%). This missense change has been observed in individual(s) with congenital methemoglobinemia (PMID: 31898843). ClinVar contains an entry for this variant (Variation ID: 827634). Invitae Evidence Modeling of protein sequence and biophysical properties (such as structural, functional, and spatial information, amino acid conservation, physicochemical variation, residue mobility, and thermodynamic stability) indicates that this missense variant is expected to disrupt CYB5R3 protein function with a positive predictive value of 95%. In summary, the available evidence is currently insufficient to determine the role of this variant in disease. Therefore, it has been classified as a Variant of Uncertain Significance.

Department of Haematogenetics, ICMR National Institute of Immunohaematology
Classification: Pathogenic for Methemoglobinemia, type I. Review status: no assertion criteria provided. Criteria: ACMG Guidelines, 2015. Collection method: research. Allele origin: inherited. Affected: yes. Not counted in ClinVar's aggregate classification.

Literature cited by the submitters: PubMed 31898843 (cited by Labcorp Genetics (formerly Invitae), Labcorp).

NM_000398.7(CYB5R3):c.310G>T (p.Gly104Cys)

Gene: CYB5R3 (cytochrome b5 reductase 3; minus strand). Cytogenetic location: 22q13.2.
Variant type: single nucleotide variant.
Coding change: c.310G>T on transcript NM_000398.7 (MANE Select); coding-DNA position 310, G replaced by T.
Protein change: p.Gly104Cys; replaces glycine 104 with cysteine.
Molecular consequence: missense variant.
Genome position (GRCh38, 1-based): chr22:42,630,905, C>A on the plus strand (G>T on the coding strand, the complement: CYB5R3 is on the minus strand). VCF-style: chr22-42630905-C-A. GRCh37 (hg19) VCF-style: chr22-43026911-C-A.
Other names: c.241G>T, p.Gly81Cys (NM_001129819.2, NM_001171661.1, NM_007326.4); c.409G>T, p.Gly137Cys (NM_001171660.2); short protein forms G104C, G137C, G81C.
Identifiers: ClinVar variation 827634 (VCV000827634.2), dbSNP rs1299251737, ClinGen allele CA411800356.
Genomic context (GRCh38, chr22:42,630,905, plus strand): 5'-CCACACCCCCTCCACAGTCATGACCCAGAGGCTTCACCTTGATGACCAGGTCCACGAAGC[C>A]CTTGTCATCATCGCTGGAGATGGGTGTATAGGGCCGGACGACCAGGTTTCCATCAATTCG-3'
Protein context (NP_000389.1, residues 94-114): YTPISSDDDK[Gly104Cys]FVDLVIKVYF